The following is an entry in ClinVar:

ClinVar aggregate classification (germline): Pathogenic. Review status: criteria provided, multiple submitters, no conflicts (2 of 4 stars). 5 submissions from 5 submitters: Pathogenic (3). 2 of the submissions do not count toward it. Last evaluated 2022-02-05.

Conditions:
Rare genetic deafness. Identifiers: Orphanet 96210, MedGen C5680250.
Autosomal recessive nonsyndromic hearing loss 49. Also called: Deafness, neurosensory, autosomal recessive 49. Identifiers: Orphanet 90636, MedGen C1857811, MONDO:0012420, OMIM 610153.

Allele frequency attached by ClinVar (database versions not stated): gnomAD 0.00001; gnomAD exomes 0.00001; ExAC 0.00002; TOPMed 0.00002.
gnomAD v4.1: 17 of 1,613,864 alleles (0.0011%); highest among the groups gnomAD compares: Admixed American, 0.0017%; no homozygotes.

Submissions (5):

Dasa
Classification: Pathogenic for Autosomal recessive nonsyndromic hearing loss 49. Last evaluated: 2022-02-05. Review status: criteria provided, single submitter. Criteria: ACMG Guidelines, 2015. Collection method: clinical testing. Allele origin: germline. Affected: yes. Observed: 1 variant allele.
Comment: The c.1331+1G>A variant is located in a canonical splice-site, and it is predicted to alter gene function due to either exon skipping or nonsense-mediate decay – NMD, and the variant is present in a relevant exon to the transcript - PVS1. This sequence change has been observed in affected individual(s) and ClinVar contains an entry for this variant (ClinVar ID: 228359; PMID: 25788563 ) - PS4_supporting. The variant is present at low allele frequencies population databases (rs762352115 – gnomAD 0.0001315%; ABraOM no frequency) - PM2_supporting. In summary, the currently available evidence indicates that the variant is pathogenic.

Laboratory for Molecular Medicine, Mass General Brigham Personalized Medicine
Classification: Pathogenic for Rare genetic deafness. Last evaluated: 2017-05-16. Review status: criteria provided, single submitter. Criteria: LMM Criteria. Collection method: clinical testing. Allele origin: germline. Inheritance: Autosomal recessive inheritance. Observed: 5 variant alleles.
Comment: The c.1331+1G>A variant in MARVELD2 has been reported as a homozygous variant in 4 individuals with nonsyndromic hearing loss from one family (Chishti 2008). It has also been identified in 1/111500 European chromosomes by the Genome Aggrega tion Database (gnomAD; dbSNP rs762352115). Alt hough this variant has been seen in the general population, its frequency is low enough to be consistent with a carrier frequency for recessive hearing loss. Th is variant occurs in the invariant region (+/-1,2) of the splice consensus seque nce and is predicted to cause altered splicing leading to an abnormal or absent protein. Loss of function of the MARVELD2 gene is an established disease mechani sm in autosomal recessive hearing loss. In summary, this variant meets criteria to be classified as pathogenic for autosomal recessive hearing loss based on hom ozygosity in affected individuals, segregation evidence, predicted impact on spl icing and encoded protein, and extremely low allele frequency in the general pop ulation.

Juno Genomics, Hangzhou Juno Genomics, Inc
Classification: Pathogenic for Autosomal recessive nonsyndromic hearing loss 49. Review status: criteria provided, single submitter. Criteria: ACMG Guidelines, 2015. Collection method: clinical testing. Allele origin: germline.
Comment: Absent from controls (or at extremely low frequency if recessive) in Genome Aggregation Database.;Null variant in a gene where loss of function (LOF) is a known mechanism of disease.;For recessive disorders, detected in trans with a pathogenic variant.

Genetic Testing Center for Deafness, Department of Otolaryngology Head & Neck Surgery, Institute of Otolaryngology, Chinese PLA General Hospital
Classification: Likely pathogenic for Autosomal recessive nonsyndromic hearing loss 49. Last evaluated: 2019-02-26. Review status: no assertion criteria provided. Collection method: case-control. Allele origin: inherited. Affected: yes. Observed: 1 variant allele. Not counted in ClinVar's aggregate classification.

OMIM
Classification: Pathogenic for DEAFNESS, AUTOSOMAL RECESSIVE 49. Last evaluated: 2008-01-01. Review status: no assertion criteria provided. Collection method: literature only. Allele origin: germline. Not counted in ClinVar's aggregate classification.

Literature cited by the submitters: PubMed 25788563 (cited by Dasa); PubMed 18084694 (cited by Laboratory for Molecular Medicine, Mass General Brigham Personalized Medicine and OMIM).

NM_001038603.3(MARVELD2):c.1331+1G>A

Gene: MARVELD2 (MARVEL domain containing 2; plus strand). Cytogenetic location: 5q13.2.
Variant type: single nucleotide variant.
Coding change: c.1331+1G>A on transcript NM_001038603.3 (MANE Select); the canonical splice donor site of the intron after coding-DNA position 1331, G replaced by A.
Molecular consequence: splice donor variant.
Genome position (GRCh38, 1-based): chr5:69,432,676, G>A. VCF-style: chr5-69432676-G-A. GRCh37 (hg19) VCF-style: chr5-68728503-G-A.
Other names: IVS4DS, G-A, +1; c.1295+1G>A (NM_001244734.2).
Identifiers: ClinVar variation 228359 (VCV000228359.12), dbSNP rs762352115, ClinGen allele CA3294229.